The following is an entry in ClinVar:

NM_001605.3(AARS1):c.941G>A (p.Arg314Gln)

Gene: AARS1 (alanyl-tRNA synthetase 1; minus strand). Cytogenetic location: 16q22.1.
Variant type: single nucleotide variant.
Coding change: c.941G>A on transcript NM_001605.3 (MANE Select); coding-DNA position 941, G replaced by A.
Protein change: p.Arg314Gln; replaces arginine 314 with glutamine.
Molecular consequence: missense variant.
Genome position (GRCh38, 1-based): chr16:70,269,639, C>T on the plus strand (G>A on the coding strand, the complement: AARS1 is on the minus strand). VCF-style: chr16-70269639-C-T. GRCh37 (hg19) VCF-style: chr16-70303542-C-T.
Other names: short protein forms R314Q.
Identifiers: ClinVar variation 1682267 (VCV001682267.8), dbSNP rs370496079, ClinGen allele CA8140999.

ClinVar aggregate classification (germline): Uncertain significance (1 of 4 stars; one submission).

Conditions:
Charcot-Marie-Tooth disease type 2. Also called: Charcot-Marie-Tooth type 2. Identifiers: Orphanet 64746, MedGen C0270914, MONDO:0018993.

Allele frequency attached by ClinVar (database versions not stated): ExAC 0.00001; ESP Exome Variant Server 0.00008; TOPMed 0.00001; gnomAD exomes below 0.00001.
gnomAD v4.1: 7 of 1,614,112 alleles (0.00043%); highest among the groups gnomAD compares: South Asian, 0.0011%; no homozygotes.

Submission:

Labcorp Genetics (formerly Invitae), Labcorp
Classification: Uncertain significance for Charcot-Marie-Tooth disease type 2. Last evaluated: 2025-05-14. Review status: criteria provided, single submitter. Criteria: Invitae Variant Classification Sherloc (09022015). Collection method: clinical testing. Allele origin: germline.
Comment: This sequence change replaces arginine, which is basic and polar, with glutamine, which is neutral and polar, at codon 314 of the AARS protein (p.Arg314Gln). The frequency data for this variant in the population databases is considered unreliable, as metrics indicate poor data quality at this position in the gnomAD database. This variant has not been reported in the literature in individuals affected with AARS-related conditions. ClinVar contains an entry for this variant (Variation ID: 1682267). Invitae Evidence Modeling of protein sequence and biophysical properties (such as structural, functional, and spatial information, amino acid conservation, physicochemical variation, residue mobility, and thermodynamic stability) indicates that this missense variant is not expected to disrupt AARS protein function with a negative predictive value of 95%. In summary, the available evidence is currently insufficient to determine the role of this variant in disease. Therefore, it has been classified as a Variant of Uncertain Significance.